The following is an entry in ClinVar:

NM_001609.4(ACADSB):c.*133C>G

Gene: ACADSB (acyl-CoA dehydrogenase short/branched chain; plus strand). Cytogenetic location: 10q26.13.
Variant type: single nucleotide variant.
Coding change: c.*133C>G on transcript NM_001609.4 (MANE Select); 133 bases downstream of the stop codon, C replaced by G.
Molecular consequence: 3 prime UTR variant.
Genome position (GRCh38, 1-based): chr10:123,053,898, C>G. VCF-style: chr10-123053898-C-G. GRCh37 (hg19) VCF-style: chr10-124813414-C-G.
Other names: c.*133C>G (NM_001330174.3).
Identifiers: ClinVar variation 880160 (VCV000880160.5), dbSNP rs58589087, ClinGen allele CA215173129.

ClinVar aggregate classification (germline): Benign. Review status: criteria provided, multiple submitters, no conflicts (2 of 4 stars). 2 submissions from 2 submitters: Benign (2). Last evaluated 2018-01-12.

Conditions:
Deficiency of 2-methylbutyryl-CoA dehydrogenase (ACADSB). Also called: 2-methylbutyryl-CoA dehydrogenase deficiency; SBCAD deficiency; 2-methylbutyric aciduria; Short branched-chain acyl-CoA dehydrogenase deficiency; 2-methylbutyrylglycinuria. Identifiers: Orphanet 79157, MedGen C1864912, MONDO:0012392, OMIM 610006, HP:0020147.

Allele frequency attached by ClinVar (database versions not stated): gnomAD exomes 0.00109; TOPMed 0.00155; 1000 Genomes Project 0.00399; 1000 Genomes Project 30x 0.00422.

Submissions (2):

Illumina Laboratory Services, Illumina
Classification: Benign for Deficiency of 2-methylbutyryl-CoA dehydrogenase. Last evaluated: 2018-01-12. Review status: criteria provided, single submitter. Criteria: ICSL Variant Classification Criteria 13 December 2019. Collection method: clinical testing. Allele origin: germline.
Comment: This variant was observed in the ICSL laboratory as part of a predisposition screen in an ostensibly healthy population. It had not been previously curated by ICSL or reported in the Human Gene Mutation Database (HGMD: prior to June 1st, 2018), and was therefore a candidate for classification through an automated scoring system. Utilizing variant allele frequency, disease prevalence and penetrance estimates, and inheritance mode, an automated score was calculated to assess if this variant is too frequent to cause the disease. Based on the score and internal cut-off values, a variant classified as benign is not then subjected to further curation. The score for this variant resulted in a classification of benign for this disease.

Breakthrough Genomics
Classification: Benign. Review status: criteria provided, single submitter. Criteria: ACMG Guidelines, 2015. Collection method: not provided. Allele origin: germline. Inheritance: Autosomal recessive inheritance. Affected: yes.